The following is an entry in ClinVar:

NM_031935.3(HMCN1):c.11006G>T (p.Arg3669Leu)

Gene: HMCN1 (hemicentin 1; plus strand). Cytogenetic location: 1q31.1.
Variant type: single nucleotide variant.
Coding change: c.11006G>T on transcript NM_031935.3 (MANE Select); coding-DNA position 11006, G replaced by T.
Protein change: p.Arg3669Leu; replaces arginine 3669 with leucine.
Molecular consequence: missense variant.
Genome position (GRCh38, 1-based): chr1:186,112,828, G>T. VCF-style: chr1-186112828-G-T. GRCh37 (hg19) VCF-style: chr1-186081960-G-T.
Other names: short protein forms R3669L.
Identifiers: ClinVar variation 2829216 (VCV002829216.3), dbSNP rs745313929, ClinGen allele CA343939577.

ClinVar aggregate classification (germline): Uncertain significance (1 of 4 stars; one submission).

gnomAD v4.1: 1 of 1,614,152 alleles (0.000062%); highest among the groups gnomAD compares: Non-Finnish European, 0.000085%; no homozygotes.

Submission:

Labcorp Genetics (formerly Invitae), Labcorp
Classification: Uncertain significance. Last evaluated: 2023-01-16. Review status: criteria provided, single submitter. Criteria: Invitae Variant Classification Sherloc (09022015). Collection method: clinical testing. Allele origin: germline.
Comment: In summary, the available evidence is currently insufficient to determine the role of this variant in disease. Therefore, it has been classified as a Variant of Uncertain Significance. Algorithms developed to predict the effect of missense changes on protein structure and function (SIFT, PolyPhen-2, Align-GVGD) all suggest that this variant is likely to be disruptive. This variant has not been reported in the literature in individuals affected with HMCN1-related conditions. This variant is not present in population databases (gnomAD no frequency). This sequence change replaces arginine, which is basic and polar, with leucine, which is neutral and non-polar, at codon 3669 of the HMCN1 protein (p.Arg3669Leu).